The following is an entry in ClinVar:

ClinVar aggregate classification (germline): Uncertain significance. Review status: criteria provided, multiple submitters, no conflicts (2 of 4 stars). 3 submissions from 3 submitters: Uncertain significance (3). Last evaluated 2023-10-01.

Conditions:
Hereditary cancer-predisposing syndrome. Also called: Neoplastic Syndromes, Hereditary; Tumor predisposition; Hereditary Cancer Syndrome; Hereditary neoplastic syndrome. Identifiers: Orphanet 140162, MedGen C0027672, MeSH D009386, MONDO:0015356.
RAD50-related disorder. Also called: RAD50-related condition.

Allele frequency attached by ClinVar (database versions not stated): TOPMed below 0.00001.

Submissions (3):

Ambry Genetics
Classification: Uncertain significance for Hereditary cancer-predisposing syndrome. Last evaluated: 2023-10-01. Review status: criteria provided, single submitter. Criteria: Ambry Variant Classification Scheme 2023. Collection method: clinical testing. Allele origin: germline.
Comment: The p.I846M variant (also known as c.2538T>G), located in coding exon 16 of the RAD50 gene, results from a T to G substitution at nucleotide position 2538. The isoleucine at codon 846 is replaced by methionine, an amino acid with highly similar properties. This amino acid position is not well conserved in available vertebrate species. In addition, this alteration is predicted to be tolerated by in silico analysis. Since supporting evidence is limited at this time, the clinical significance of this alteration remains unclear.

Labcorp Genetics (formerly Invitae), Labcorp
Classification: Uncertain significance for Hereditary cancer-predisposing syndrome. Last evaluated: 2023-05-01. Review status: criteria provided, single submitter. Criteria: Invitae Variant Classification Sherloc (09022015). Collection method: clinical testing. Allele origin: germline.
Comment: In summary, the available evidence is currently insufficient to determine the role of this variant in disease. Therefore, it has been classified as a Variant of Uncertain Significance. Algorithms developed to predict the effect of sequence changes on RNA splicing suggest that this variant may disrupt the consensus splice site. Advanced modeling of protein sequence and biophysical properties (such as structural, functional, and spatial information, amino acid conservation, physicochemical variation, residue mobility, and thermodynamic stability) performed at Invitae indicates that this missense variant is not expected to disrupt RAD50 protein function. ClinVar contains an entry for this variant (Variation ID: 821414). This variant has not been reported in the literature in individuals affected with RAD50-related conditions. This variant is not present in population databases (gnomAD no frequency). This sequence change replaces isoleucine, which is neutral and non-polar, with methionine, which is neutral and non-polar, at codon 846 of the RAD50 protein (p.Ile846Met).

PreventionGenetics, part of Exact Sciences
Classification: Uncertain significance for RAD50-related condition. Last evaluated: 2022-10-19. Review status: criteria provided, single submitter. Criteria: ACMG Guidelines, 2015. Collection method: clinical testing. Allele origin: germline.
Comment: The RAD50 c.2538T>G variant is predicted to result in the amino acid substitution p.Ile846Met. To our knowledge, this variant has not been reported in the literature or in a large population database, indicating this variant is rare. It is classified as a variant of uncertain significance by one submitter in ClinVar. At this time, the clinical significance of this variant is uncertain due to the absence of conclusive functional and genetic evidence.

NM_005732.4(RAD50):c.2538T>G (p.Ile846Met)

Gene: RAD50 (RAD50 double strand break repair protein; plus strand). Cytogenetic location: 5q31.1.
Variant type: single nucleotide variant.
Coding change: c.2538T>G on transcript NM_005732.4 (MANE Select); coding-DNA position 2538, T replaced by G.
Protein change: p.Ile846Met; replaces isoleucine 846 with methionine.
Molecular consequence: missense variant.
Genome position (GRCh38, 1-based): chr5:132,604,819, T>G. VCF-style: chr5-132604819-T-G. GRCh37 (hg19) VCF-style: chr5-131940511-T-G.
Other names: short protein forms I846M.
Identifiers: ClinVar variation 821414 (VCV000821414.8), dbSNP rs1220188545, ClinGen allele CA360956221.